The following is an entry in ClinVar:

ClinVar aggregate classification (germline): Uncertain significance. Review status: criteria provided, multiple submitters, no conflicts (2 of 4 stars). 2 submissions from 2 submitters: Uncertain significance (2). Last evaluated 2018-08-30.

Allele frequency attached by ClinVar (database versions not stated): ExAC 0.00003; gnomAD exomes 0.00004 and 0.00005; TOPMed 0.00005; gnomAD 0.00011.
gnomAD v4.1: 71 of 1,613,164 alleles (0.0044%); highest among the groups gnomAD compares: Admixed American, 0.038%; no homozygotes.

Submissions (2):

Eurofins Ntd Llc (ga)
Classification: Uncertain significance. Last evaluated: 2018-08-30. Review status: criteria provided, single submitter. Criteria: EGL ClinVar v180209 classification definitions. Collection method: clinical testing. Allele origin: germline. Observed: 1 variant allele, 1 heterozygote.

Laboratory for Molecular Medicine, Mass General Brigham Personalized Medicine
Classification: Uncertain significance. Last evaluated: 2015-08-27. Review status: criteria provided, single submitter. Criteria: LMM Criteria. Collection method: clinical testing. Allele origin: germline. Inheritance: Autosomal recessive inheritance. Observed: 1 variant allele.
Comment: The p.Arg22710His variant in TTN has not been previously reported in individuals with cardiomyopathy, but has been identified in 3/66242 European chromosomes by the Exome Aggregation Consortium (ExAC). Comput ational prediction tools and conservation analysis suggest that the p.Arg22710Hi s variant may impact the protein, though this information is not predictive enou gh to determine pathogenicity. In summary, the clinical significance of the p.Ar g22710His variant is uncertain.

NM_001267550.2(TTN):c.75833G>A (p.Arg25278His)

Genes: TTN (titin; minus strand), TTN-AS1 (TTN antisense RNA 1; plus strand). Cytogenetic location: 2q31.2.
Variant type: single nucleotide variant.
Coding change: c.75833G>A on transcript NM_001267550.2 (MANE Select); coding-DNA position 75833, G replaced by A.
Protein change: p.Arg25278His; replaces arginine 25278 with histidine.
Molecular consequence: missense variant.
Genome position (GRCh38, 1-based): chr2:178,570,299, C>T on the plus strand (G>A on the coding strand, the complement: TTN is on the minus strand). VCF-style: chr2-178570299-C-T. GRCh37 (hg19) VCF-style: chr2-179435026-C-T.
Other names: c.68129G>A, p.Arg22710His (NM_133378.4); c.70910G>A, p.Arg23637His (NM_001256850.1); c.48638G>A, p.Arg16213His (NM_003319.4); c.49013G>A, p.Arg16338His (NM_133432.3); c.49214G>A, p.Arg16405His (NM_133437.4); short protein forms R22710H, R25278H, R16338H, R23637H, R16405H, R16213H.
Identifiers: ClinVar variation 229518 (VCV000229518.9), dbSNP rs769729114, ClinGen allele CA1989995.